The following is an entry in ClinVar:

NM_000516.7(GNAS):c.1017C>T (p.Tyr339=)

Gene: GNAS (GNAS complex locus; plus strand). Cytogenetic location: 20q13.32.
Variant type: single nucleotide variant.
Coding change: c.1017C>T on transcript NM_000516.7 (MANE Select); coding-DNA position 1017, C replaced by T.
Protein change: p.Tyr339=; no amino-acid change (tyrosine 339 retained).
Molecular consequence: synonymous variant. On other transcripts: 3 prime UTR variant (2).
Genome position (GRCh38, 1-based): chr20:58,910,380, C>T. VCF-style: chr20-58910380-C-T. GRCh37 (hg19) VCF-style: chr20-57485435-C-T.
Other names: c.1017C>T (NM_000516.5); c.1020C>T, p.Tyr340= (NM_001077488.5); c.972C>T, p.Tyr324= (NM_001077489.4); c.*878C>T (NM_001077490.3); c.840C>T, p.Tyr280= (NM_001309840.2, NM_001309861.2); c.921C>T, p.Tyr307= (NM_001410912.1); c.2901C>T, p.Tyr967= (NM_001410913.1); c.*923C>T (NM_016592.5); and 2 more.
Identifiers: ClinVar variation 2875996 (VCV002875996.5), dbSNP rs745429718, ClinGen allele CA9927291.

ClinVar aggregate classification (germline): Likely benign. Review status: criteria provided, single submitter (1 of 4 stars). 2 submissions from 2 submitters: Likely benign (1). 1 of the submissions does not count toward it. Last evaluated 2025-12-09.

Conditions:
GNAS-related disorder. Identifiers: MedGen CN380105.

Allele frequency attached by ClinVar (database versions not stated): gnomAD 0.00001; ExAC 0.00002; TOPMed 0.00001; gnomAD exomes 0.00012.
gnomAD v4.1: 166 of 1,612,438 alleles (0.01%); highest among the groups gnomAD compares: Non-Finnish European, 0.014%; no homozygotes.

Submissions (2):

Labcorp Genetics (formerly Invitae), Labcorp
Classification: Likely benign. Last evaluated: 2025-12-09. Review status: criteria provided, single submitter. Criteria: Invitae Variant Classification Sherloc (09022015). Collection method: clinical testing. Allele origin: germline.

PreventionGenetics, part of Exact Sciences
Classification: Likely benign for GNAS-related condition. Last evaluated: 2021-12-08. Review status: no assertion criteria provided. Collection method: clinical testing. Allele origin: germline. Not counted in ClinVar's aggregate classification.
Comment: This variant is classified as likely benign based on ACMG/AMP sequence variant interpretation guidelines (Richards et al. 2015 PMID: 25741868, with internal and published modifications).